The following is an entry in ClinVar:

ClinVar aggregate classification (germline): Uncertain significance. Review status: criteria provided, multiple submitters, no conflicts (2 of 4 stars). 3 submissions from 3 submitters: Uncertain significance (3). Last evaluated 2026-01-05.

Conditions:
Inborn genetic diseases. Identifiers: MedGen C0950123, MeSH D030342.
Donnai-Barrow syndrome. Also called: DBS/FOAR SYNDROME; FACIOOCULOACOUSTICORENAL SYNDROME. Identifiers: Orphanet 2143, MedGen C1857277, MONDO:0009104, OMIM 222448.

Allele frequency attached by ClinVar (database versions not stated): gnomAD exomes below 0.00001 and 0.00002; gnomAD 0.00001; ExAC 0.00002; TOPMed 0.00002.
gnomAD v4.1: 6 of 1,594,798 alleles (0.00038%); highest among the groups gnomAD compares: Admixed American, 0.01%; no homozygotes.

Submissions (3):

Labcorp Genetics (formerly Invitae), Labcorp
Classification: Uncertain significance. Last evaluated: 2026-01-05. Review status: criteria provided, single submitter. Criteria: Invitae Variant Classification Sherloc (09022015). Collection method: clinical testing. Allele origin: germline.
Comment: This sequence change replaces serine, which is neutral and polar, with glycine, which is neutral and non-polar, at codon 106 of the LRP2 protein (p.Ser106Gly). This variant is present in population databases (rs754114646, gnomAD 0.01%). This variant has not been reported in the literature in individuals affected with LRP2-related conditions. ClinVar contains an entry for this variant (Variation ID: 1371291). Invitae Evidence Modeling of protein sequence and biophysical properties (such as structural, functional, and spatial information, amino acid conservation, physicochemical variation, residue mobility, and thermodynamic stability) indicates that this missense variant is not expected to disrupt LRP2 protein function with a negative predictive value of 95%. In summary, the available evidence is currently insufficient to determine the role of this variant in disease. Therefore, it has been classified as a Variant of Uncertain Significance.

Ambry Genetics
Classification: Uncertain significance for Inborn genetic diseases. Last evaluated: 2025-10-02. Review status: criteria provided, single submitter. Criteria: Ambry Variant Classification Scheme 2023. Collection method: clinical testing. Allele origin: germline.

Fulgent Genetics
Classification: Uncertain significance for Donnai-Barrow syndrome. Last evaluated: 2024-03-06. Review status: criteria provided, single submitter. Criteria: ACMG Guidelines, 2015. Collection method: clinical testing. Allele origin: germline.

NM_004525.3(LRP2):c.316A>G (p.Ser106Gly)

Gene: LRP2 (LDL receptor related protein 2; minus strand). Cytogenetic location: 2q31.1.
Variant type: single nucleotide variant.
Coding change: c.316A>G on transcript NM_004525.3 (MANE Select); coding-DNA position 316, A replaced by G.
Protein change: p.Ser106Gly; replaces serine 106 with glycine.
Molecular consequence: missense variant.
Genome position (GRCh38, 1-based): chr2:169,307,392, T>C on the plus strand (A>G on the coding strand, the complement: LRP2 is on the minus strand). VCF-style: chr2-169307392-T-C. GRCh37 (hg19) VCF-style: chr2-170163902-T-C.
Other names: c.316A>G (NM_004525.2); short protein forms S106G.
Identifiers: ClinVar variation 1371291 (VCV001371291.8), dbSNP rs754114646, ClinGen allele CA1955917.